The following is an entry in ClinVar:

ClinVar aggregate classification (germline): Uncertain significance (1 of 4 stars; one submission).

gnomAD v4.1: 1 of 1,614,150 alleles (0.000062%); highest among the groups gnomAD compares: Non-Finnish European, 0.000085%; no homozygotes.

Submission:

Labcorp Genetics (formerly Invitae), Labcorp
Classification: Uncertain significance. Last evaluated: 2020-11-10. Review status: criteria provided, single submitter. Criteria: Invitae Variant Classification Sherloc (09022015). Collection method: clinical testing. Allele origin: germline.
Comment: In summary, the available evidence is currently insufficient to determine the role of this variant in disease. Therefore, it has been classified as a Variant of Uncertain Significance. Algorithms developed to predict the effect of sequence changes on RNA splicing suggest that this variant may create or strengthen a splice site, but this prediction has not been confirmed by published transcriptional studies. Algorithms developed to predict the effect of missense changes on protein structure and function (SIFT, PolyPhen-2, Align-GVGD) all suggest that this variant is likely to be tolerated, but these predictions have not been confirmed by published functional studies and their clinical significance is uncertain. This variant has not been reported in the literature in individuals with A2ML1-related conditions. This variant is not present in population databases (ExAC no frequency). This sequence change replaces leucine with valine at codon 5 of the A2ML1 protein (p.Leu5Val). The leucine residue is moderately conserved and there is a small physicochemical difference between leucine and valine.

NM_144670.6(A2ML1):c.13C>G (p.Leu5Val)

Genes: A2ML1 (alpha-2-macroglobulin like 1; plus strand), A2ML1-AS1 (A2ML1 antisense RNA 1; minus strand). Cytogenetic location: 12p13.31.
Variant type: single nucleotide variant.
Coding change: c.13C>G on transcript NM_144670.6 (MANE Select); coding-DNA position 13, C replaced by G.
Protein change: p.Leu5Val; replaces leucine 5 with valine.
Molecular consequence: missense variant.
Genome position (GRCh38, 1-based): chr12:8,822,664, C>G. VCF-style: chr12-8822664-C-G. GRCh37 (hg19) VCF-style: chr12-8975260-C-G.
Other names: short protein forms L5V.
Identifiers: ClinVar variation 646862 (VCV000646862.9), dbSNP rs1419562889, ClinGen allele CA383816329.